The following is an entry in ClinVar:

ClinVar aggregate classification (germline): Conflicting classifications of pathogenicity. Review status: criteria provided, conflicting classifications (1 of 4 stars). 2 submissions from 2 submitters: Uncertain significance (1); Likely benign (1). Last evaluated 2024-10-28.

Conditions:
SLC27A5-related disorder. Also called: SLC27A5-related condition.

Allele frequency attached by ClinVar (database versions not stated): TOPMed 0.00001; gnomAD 0.00003.
gnomAD v4.1: 32 of 1,613,146 alleles (0.002%); highest among the groups gnomAD compares: Non-Finnish European, 0.0025%; no homozygotes.

Submissions (2):

PreventionGenetics, part of Exact Sciences
Classification: Likely benign for SLC27A5-related condition. Last evaluated: 2024-10-28. Review status: criteria provided, single submitter. Criteria: ACMG Guidelines, 2015. Collection method: clinical testing. Allele origin: germline.
Comment: This variant is classified as likely benign based on ACMG/AMP sequence variant interpretation guidelines (Richards et al. 2015 PMID: 25741868, with internal and published modifications).

Eurofins Ntd Llc (ga)
Classification: Uncertain significance. Last evaluated: 2016-11-04. Review status: criteria provided, single submitter. Criteria: EGL Classification Definitions 2015. Collection method: clinical testing. Allele origin: germline. Observed: 1 variant allele, 1 heterozygote.

NM_012254.3(SLC27A5):c.2049G>T (p.Val683=)

Gene: SLC27A5 (solute carrier family 27 member 5; minus strand). Cytogenetic location: 19q13.43.
Variant type: single nucleotide variant.
Coding change: c.2049G>T on transcript NM_012254.3 (MANE Select); coding-DNA position 2049, G replaced by T.
Protein change: p.Val683=; no amino-acid change (valine 683 retained).
Molecular consequence: synonymous variant.
Genome position (GRCh38, 1-based): chr19:58,498,539, C>A on the plus strand (G>T on the coding strand, the complement: SLC27A5 is on the minus strand). VCF-style: chr19-58498539-C-A. GRCh37 (hg19) VCF-style: chr19-59009906-C-A.
Other names: c.2049G>T (NM_012254.2); c.1797G>T, p.Val599= (NM_001321196.2).
Identifiers: ClinVar variation 498418 (VCV000498418.6), dbSNP rs552597468, ClinGen allele CA509536558.
Genomic context (GRCh38, chr19:58,498,539, plus strand): 5'-GGCTTTGATCCCTACCCCAGTGGGTTGGCCAGGTGATCAGAGCCTCCAGGTTCCCTCACA[C>A]ACAGCCTGGTACATTTCTGCCGTCAGGGGCCGGAAGGACTGGGCCCGGTTGTCCAGTACA-3'
Protein context (NP_036386.1, residues 673-690): RPLTAEMYQA[Val683=]CEGTWRL